The following is an entry in ClinVar:

NM_024301.5(FKRP):c.985G>A (p.Val329Met)

Gene: FKRP (fukutin related protein; plus strand). Cytogenetic location: 19q13.32.
Variant type: single nucleotide variant.
Coding change: c.985G>A on transcript NM_024301.5 (MANE Select); coding-DNA position 985, G replaced by A.
Protein change: p.Val329Met; replaces valine 329 with methionine.
Molecular consequence: missense variant.
Genome position (GRCh38, 1-based): chr19:46,756,435, G>A. VCF-style: chr19-46756435-G-A. GRCh37 (hg19) VCF-style: chr19-47259692-G-A.
Other names: c.985G>A, p.Val329Met (NM_001039885.3); short protein forms V329M.
Identifiers: ClinVar variation 1963124 (VCV001963124.5), dbSNP rs1179406638, ClinGen allele CA406496413.
Genomic context (GRCh38, chr19:46,756,435, plus strand): 5'-TACGAGGAGCGCTGGACGCCCCCCTGCTGCCTGCGCGCGCTGCGCGAGACCGCCCGCTAT[G>A]TGGTGGGCGTGCTGGAGGCTGCGGGCGTGCGCTACTGGCTCGAGGGCGGCTCACTGCTGG-3'
Protein context (NP_077277.1, residues 319-339): LRALRETARY[Val329Met]VGVLEAAGVR

ClinVar aggregate classification (germline): Pathogenic (1 of 4 stars; one submission).

Conditions:
Walker-Warburg congenital muscular dystrophy. Also called: Muscular dystrophy-dystroglycanopathy, type A; Walker-Warburg syndrome. Identifiers: Orphanet 899, MedGen C0265221, MONDO:0000171.

Allele frequency attached by ClinVar (database versions not stated): TOPMed below 0.00001.
gnomAD v4.1: 1 of 1,585,392 alleles (0.000063%); highest among the groups gnomAD compares: Non-Finnish European, 0.000086%; no homozygotes.

Submission:

Labcorp Genetics (formerly Invitae), Labcorp
Classification: Pathogenic for Walker-Warburg congenital muscular dystrophy. Last evaluated: 2023-12-07. Review status: criteria provided, single submitter. Criteria: Invitae Variant Classification Sherloc (09022015). Collection method: clinical testing. Allele origin: germline.
Comment: This sequence change replaces valine, which is neutral and non-polar, with methionine, which is neutral and non-polar, at codon 329 of the FKRP protein (p.Val329Met). This variant is not present in population databases (gnomAD no frequency). This missense change has been observed in individual(s) with clinical features of FKRP-related conditions (Invitae). In at least one individual the data is consistent with being in trans (on the opposite chromosome) from a pathogenic variant. ClinVar contains an entry for this variant (Variation ID: 1963124). Advanced modeling of protein sequence and biophysical properties (such as structural, functional, and spatial information, amino acid conservation, physicochemical variation, residue mobility, and thermodynamic stability) performed at Invitae indicates that this missense variant is expected to disrupt FKRP protein function with a positive predictive value of 95%. For these reasons, this variant has been classified as Pathogenic.